The following is an entry in ClinVar:

ClinVar aggregate classification (germline): Uncertain significance. Review status: criteria provided, multiple submitters, no conflicts (2 of 4 stars). 2 submissions from 2 submitters: Uncertain significance (2). Last evaluated 2024-01-03.

Conditions:
Inborn genetic diseases. Identifiers: MedGen C0950123, MeSH D030342.

Allele frequency attached by ClinVar (database versions not stated): gnomAD 0.00001; TOPMed 0.00001; gnomAD exomes 0.00003 and 0.00004.
gnomAD v4.1: 50 of 1,551,602 alleles (0.0032%); highest among the groups gnomAD compares: East Asian, 0.049%; no homozygotes.

Submissions (2):

Ambry Genetics
Classification: Uncertain significance for Inborn genetic diseases. Last evaluated: 2024-01-03. Review status: criteria provided, single submitter. Criteria: Ambry Variant Classification Scheme 2023. Collection method: clinical testing. Allele origin: germline.

Labcorp Genetics (formerly Invitae), Labcorp
Classification: Uncertain significance. Last evaluated: 2021-09-17. Review status: criteria provided, single submitter. Criteria: Invitae Variant Classification Sherloc (09022015). Collection method: clinical testing. Allele origin: germline.
Comment: This sequence change replaces glycine with serine at codon 2183 of the LOXHD1 protein (p.Gly2183Ser). The glycine residue is weakly conserved and there is a small physicochemical difference between glycine and serine. This variant is not present in population databases (ExAC no frequency). This variant has not been reported in the literature in individuals with LOXHD1-related conditions. Algorithms developed to predict the effect of missense changes on protein structure and function (SIFT, PolyPhen-2, Align-GVGD) all suggest that this variant is likely to be tolerated, but these predictions have not been confirmed by published functional studies and their clinical significance is uncertain. In summary, the available evidence is currently insufficient to determine the role of this variant in disease. Therefore, it has been classified as a Variant of Uncertain Significance.

NM_001384474.1(LOXHD1):c.6733G>A (p.Gly2245Ser)

Gene: LOXHD1 (lipoxygenase homology PLAT domains 1; minus strand). Cytogenetic location: 18q21.1.
Variant type: single nucleotide variant.
Coding change: c.6733G>A on transcript NM_001384474.1 (MANE Select); coding-DNA position 6733, G replaced by A.
Protein change: p.Gly2245Ser; replaces glycine 2245 with serine.
Molecular consequence: missense variant. On other transcripts: intron variant (3).
Genome position (GRCh38, 1-based): chr18:46,477,561, C>T on the plus strand (G>A on the coding strand, the complement: LOXHD1 is on the minus strand). VCF-style: chr18-46477561-C-T. GRCh37 (hg19) VCF-style: chr18-44057524-C-T.
Other names: c.1450G>A, p.Gly484Ser (NM_001145473.3); c.6547G>A, p.Gly2183Ser (NM_144612.7); c.3307+93G>A (NM_001145472.3); c.3033+79G>A (NM_001308013.2); c.1371+79G>A (NM_001173129.2); c.6547G>A (NM_144612.6); short protein forms G2183S, G2245S, G484S.
Identifiers: ClinVar variation 1362640 (VCV001362640.6), dbSNP rs1425657509, ClinGen allele CA402362291.